The following is an entry in ClinVar:

NC_000006.12:g.(?_10528892)_(10557362_?)del

Gene: GCNT2 (glucosaminyl (N-acetyl) transferase 2 (I blood group); plus strand). Cytogenetic location: 6p24.3.
Variant type: Deletion.
Identifiers: ClinVar variation 830705 (VCV000830705.1).

ClinVar aggregate classification (germline): Pathogenic (1 of 4 stars; one submission).

Conditions:
Cataract 13 with adult I phenotype. Identifiers: Orphanet 91492, MedGen C3805373, MONDO:0007289, OMIM 116700.

Submission:

Labcorp Genetics (formerly Invitae), Labcorp
Classification: Pathogenic for Cataract 13 with adult i phenotype. Last evaluated: 2019-12-31. Review status: criteria provided, single submitter. Criteria: Invitae Variant Classification Sherloc (09022015). Collection method: clinical testing. Allele origin: germline.
Comment: This variant is a gross deletion of the genomic region encompassing exon 1 of the GCNT2 gene, which includes the initiator codon. The 5' end of this event is unknown as it extends beyond the assayed region for this gene and therefore may encompass additional genes. The 3' boundary is likely confined to intron 1 of the GCNT2 gene. This is expected to result in an absent or disrupted protein product. This variant has not been reported in the literature in individuals with GCNT2-related conditions. Loss-of-function variants in GCNT2 are known to be pathogenic (PMID: 15161861). For these reasons, this variant has been classified as Pathogenic.